The following is an entry in ClinVar:

ClinVar aggregate classification (germline): Conflicting classifications of pathogenicity. Review status: criteria provided, conflicting classifications (1 of 4 stars). 3 submissions from 3 submitters: Uncertain significance (1); Likely benign (1). 1 of the submissions does not count toward it. Last evaluated 2026-02-02.

Conditions:
Pontocerebellar hypoplasia type 6 (PCH6). Identifiers: Orphanet 166073, MedGen C1969084, MONDO:0012683, OMIM 611523.

Allele frequency attached by ClinVar (database versions not stated): gnomAD 0.00001; gnomAD exomes 0.00005; ExAC 0.00006; 1000 Genomes Project 30x 0.00016; 1000 Genomes Project 0.00020.
gnomAD v4.1: 39 of 1,613,686 alleles (0.0024%); highest among the groups gnomAD compares: South Asian, 0.038%; no homozygotes.

Submissions (3):

Labcorp Genetics (formerly Invitae), Labcorp
Classification: Likely benign. Last evaluated: 2026-02-02. Review status: criteria provided, single submitter. Criteria: Invitae Variant Classification Sherloc (09022015). Collection method: clinical testing. Allele origin: germline.

CeGaT Center for Human Genetics Tuebingen
Classification: Uncertain significance. Last evaluated: 2025-01-01. Review status: criteria provided, single submitter. Criteria: CeGaT Center For Human Genetics Tuebingen Variant Classification Criteria Version 2. Collection method: clinical testing. Allele origin: germline. Affected: yes. Observed: 1 variant allele.
Comment: RARS2: PM2, BP4

Natera, Inc.
Classification: Uncertain significance for Pontocerebellar hypoplasia, type 6. Last evaluated: 2020-02-13. Review status: no assertion criteria provided. Collection method: clinical testing. Allele origin: germline. Not counted in ClinVar's aggregate classification.

NM_020320.5(RARS2):c.1512-4T>C

Gene: RARS2 (arginyl-tRNA synthetase 2, mitochondrial; minus strand). Cytogenetic location: 6q15.
Variant type: single nucleotide variant.
Coding change: c.1512-4T>C on transcript NM_020320.5 (MANE Select); 4 bases into the intron before coding-DNA position 1512, T replaced by C.
Molecular consequence: intron variant.
Genome position (GRCh38, 1-based): chr6:87,516,884, A>G on the plus strand (T>C on the coding strand, the complement: RARS2 is on the minus strand). VCF-style: chr6-87516884-A-G. GRCh37 (hg19) VCF-style: chr6-88226602-A-G.
Other names: c.1512-4T>C (NM_001350505.2); c.987-4T>C (NM_001350509.2, NM_001318785.2, NM_001350506.2 and 4 more transcripts).
Identifiers: ClinVar variation 741672 (VCV000741672.24), dbSNP rs542159390, ClinGen allele CA3916235.